The following is an entry in ClinVar:

NM_001854.4(COL11A1):c.698A>T (p.Tyr233Phe)

Gene: COL11A1 (collagen type XI alpha 1 chain; minus strand). Cytogenetic location: 1p21.1.
Variant type: single nucleotide variant.
Coding change: c.698A>T on transcript NM_001854.4 (MANE Select); coding-DNA position 698, A replaced by T.
Protein change: p.Tyr233Phe; replaces tyrosine 233 with phenylalanine.
Molecular consequence: missense variant. On other transcripts: non-coding transcript variant (1).
Genome position (GRCh38, 1-based): chr1:103,031,198, T>A on the plus strand (A>T on the coding strand, the complement: COL11A1 is on the minus strand). VCF-style: chr1-103031198-T-A. GRCh37 (hg19) VCF-style: chr1-103496754-T-A.
Other names: c.698A>T, p.Tyr233Phe (NM_001168249.1, NM_001190709.2, NM_080629.3 and 1 more transcripts); short protein forms Y233F.
Identifiers: ClinVar variation 2629733 (VCV002629733.3), dbSNP rs141304474, ClinGen allele CA341159769.
Genomic context (GRCh38, chr1:103,031,198, plus strand): 5'-GCTTGAGCAGCCTTGGGTGCTGAAGAGTCACAGTCTGGACTATAATGCTCACAGTAGTCA[T>A]ATGCTGCCTTGGGATCACCTGTGATCAAAAACTGCTGAATGTCCCCCTGGGAAAAAAAAA-3'
Protein context (NP_001845.3, residues 223-243): FLITGDPKAA[Tyr233Phe]DYCEHYSPDC

ClinVar aggregate classification (germline): Uncertain significance. Review status: criteria provided, multiple submitters, no conflicts (2 of 4 stars). 3 submissions from 3 submitters: Uncertain significance (3). Last evaluated 2026-01-14.

Conditions:
COL11A1-related disorder. Also called: COL11A1-related condition; COL11A1-related disorders.

gnomAD v4.1: 6 of 1,610,442 alleles (0.00037%); highest among the groups gnomAD compares: Non-Finnish European, 0.00051%; no homozygotes.

Submissions (3):

Labcorp Genetics (formerly Invitae), Labcorp
Classification: Uncertain significance. Last evaluated: 2026-01-14. Review status: criteria provided, single submitter. Criteria: Invitae Variant Classification Sherloc (09022015). Collection method: clinical testing. Allele origin: germline.
Comment: This sequence change replaces tyrosine, which is neutral and polar, with phenylalanine, which is neutral and non-polar, at codon 233 of the COL11A1 protein (p.Tyr233Phe). This variant is not present in population databases (gnomAD no frequency). This variant has not been reported in the literature in individuals affected with COL11A1-related conditions. ClinVar contains an entry for this variant (Variation ID: 2629733). Invitae Evidence Modeling of protein sequence and biophysical properties (such as structural, functional, and spatial information, amino acid conservation, physicochemical variation, residue mobility, and thermodynamic stability) indicates that this missense variant is not expected to disrupt COL11A1 protein function with a negative predictive value of 95%. In summary, the available evidence is currently insufficient to determine the role of this variant in disease. Therefore, it has been classified as a Variant of Uncertain Significance.

GeneDx
Classification: Uncertain significance. Last evaluated: 2024-05-21. Review status: criteria provided, single submitter. Criteria: GeneDx Variant Classification Process June 2021. Collection method: clinical testing. Allele origin: germline. Affected: yes.
Comment: Has not been previously published as pathogenic or benign to our knowledge; Not observed at significant frequency in large population cohorts (gnomAD); In silico analysis supports that this missense variant has a deleterious effect on protein structure/function; Not located in the triple helical region, where the majority of pathogenic missense variants occur (HGMD; PMID: 25240749); This variant is associated with the following publications: (PMID: 25240749)

PreventionGenetics, part of Exact Sciences
Classification: Uncertain significance for COL11A1-related condition. Last evaluated: 2023-01-12. Review status: criteria provided, single submitter. Criteria: ACMG Guidelines, 2015. Collection method: clinical testing. Allele origin: germline.
Comment: The COL11A1 c.698A>T variant is predicted to result in the amino acid substitution p.Tyr233Phe. To our knowledge, this variant has not been reported in the literature or in a large population database, indicating this variant is rare. At this time, the clinical significance of this variant is uncertain due to the absence of conclusive functional and genetic evidence.